The following is an entry in ClinVar:

NM_006265.3(RAD21):c.1411C>A (p.Pro471Thr)

Gene: RAD21 (RAD21 cohesin complex component; minus strand). Cytogenetic location: 8q24.11.
Variant type: single nucleotide variant.
Coding change: c.1411C>A on transcript NM_006265.3 (MANE Select); coding-DNA position 1411, C replaced by A.
Protein change: p.Pro471Thr; replaces proline 471 with threonine.
Molecular consequence: missense variant.
Genome position (GRCh38, 1-based): chr8:116,852,007, G>T on the plus strand (C>A on the coding strand, the complement: RAD21 is on the minus strand). VCF-style: chr8-116852007-G-T. GRCh37 (hg19) VCF-style: chr8-117864246-G-T.
Other names: short protein forms P471T.
Identifiers: ClinVar variation 3769738 (VCV003769738.2).

ClinVar aggregate classification (germline): Uncertain significance (1 of 4 stars; one submission).

Submission:

GeneDx
Classification: Uncertain significance. Last evaluated: 2026-04-07. Review status: criteria provided, single submitter. Criteria: GeneDx Variant Classification Process June 2021. Collection method: clinical testing. Allele origin: germline.
Comment: Not observed at significant frequency in large population cohorts (gnomAD); In silico analysis indicates that this missense variant does not alter protein structure/function; Has not been previously published as pathogenic or benign to our knowledge